The following is an entry in ClinVar:

ClinVar aggregate classification (germline): Uncertain significance (1 of 4 stars; one submission).

Allele frequency attached by ClinVar (database versions not stated): gnomAD exomes below 0.00001; TOPMed below 0.00001; gnomAD 0.00001.
gnomAD v4.1: 5 of 1,613,854 alleles (0.00031%); highest among the groups gnomAD compares: African/African-American, 0.0013%; no homozygotes.

Submission:

Labcorp Genetics (formerly Invitae), Labcorp
Classification: Uncertain significance. Last evaluated: 2021-07-14. Review status: criteria provided, single submitter. Criteria: Invitae Variant Classification Sherloc (09022015). Collection method: clinical testing. Allele origin: germline.
Comment: This sequence change replaces alanine with valine at codon 1018 of the IMPG2 protein (p.Ala1018Val). The alanine residue is highly conserved and there is a small physicochemical difference between alanine and valine. This variant is not present in population databases (ExAC no frequency). This variant has not been reported in the literature in individuals affected with IMPG2-related conditions. Algorithms developed to predict the effect of missense changes on protein structure and function (SIFT, PolyPhen-2, Align-GVGD) all suggest that this variant is likely to be disruptive. Algorithms developed to predict the effect of sequence changes on RNA splicing suggest that this variant may create or strengthen a splice site. In summary, the available evidence is currently insufficient to determine the role of this variant in disease. Therefore, it has been classified as a Variant of Uncertain Significance.

NM_016247.4(IMPG2):c.3053C>T (p.Ala1018Val)

Gene: IMPG2 (interphotoreceptor matrix proteoglycan 2; minus strand). Cytogenetic location: 3q12.3.
Variant type: single nucleotide variant.
Coding change: c.3053C>T on transcript NM_016247.4 (MANE Select); coding-DNA position 3053, C replaced by T.
Protein change: p.Ala1018Val; replaces alanine 1018 with valine.
Molecular consequence: missense variant.
Genome position (GRCh38, 1-based): chr3:101,232,961, G>A on the plus strand (C>T on the coding strand, the complement: IMPG2 is on the minus strand). VCF-style: chr3-101232961-G-A. GRCh37 (hg19) VCF-style: chr3-100951805-G-A.
Other names: short protein forms A1018V.
Identifiers: ClinVar variation 1352392 (VCV001352392.8), dbSNP rs1204537397, ClinGen allele CA353850719.
Genomic context (GRCh38, chr3:101,232,961, plus strand): 5'-CATCTGCACTTTGCTTCTCCACTCCAGGGGTTGACCAGACACTCTGAAAATTCATTACAG[G>A]CCTGAAACTTGCAAGGGTTGGCTTCATCACCTAAAACATTAAACAAAGAATAATGCAAGA-3'
Protein context (NP_057331.2, residues 1008-1028): GDEANPCKFQ[Ala1018Val]CNEFSECLVN